The following is an entry in ClinVar:

NM_004006.3(DMD):c.2585A>G (p.Glu862Gly)

Gene: DMD (dystrophin; minus strand). Cytogenetic location: Xp21.1.
Variant type: single nucleotide variant.
Coding change: c.2585A>G on transcript NM_004006.3 (MANE Select); coding-DNA position 2585, A replaced by G.
Protein change: p.Glu862Gly; replaces glutamic acid 862 with glycine.
Molecular consequence: missense variant.
Genome position (GRCh38, 1-based): chrX:32,491,314, T>C on the plus strand (A>G on the coding strand, the complement: DMD is on the minus strand). VCF-style: chrX-32491314-T-C. GRCh37 (hg19) VCF-style: chrX-32509431-T-C.
Other names: c.2561A>G, p.Glu854Gly (NM_000109.4); c.2573A>G, p.Glu858Gly (NM_004009.3); c.2216A>G, p.Glu739Gly (NM_004010.3); short protein forms E862G, E854G, E858G, E739G.
Identifiers: ClinVar variation 455882 (VCV000455882.9), dbSNP rs1557383527, ClinGen allele CA412671946.

ClinVar aggregate classification (germline): Uncertain significance (1 of 4 stars; one submission).

Conditions:
Duchenne muscular dystrophy (DMD). Also called: MUSCULAR DYSTROPHY, PSEUDOHYPERTROPHIC PROGRESSIVE, DUCHENNE TYPE; Duchenne Muscular Dystrophy (DMD). Identifiers: Orphanet 98896, MedGen C0013264, MONDO:0010679, OMIM 310200.

Submission:

Labcorp Genetics (formerly Invitae), Labcorp
Classification: Uncertain significance for Duchenne muscular dystrophy. Last evaluated: 2022-02-04. Review status: criteria provided, single submitter. Criteria: Invitae Variant Classification Sherloc (09022015). Collection method: clinical testing. Allele origin: germline.
Comment: In summary, the available evidence is currently insufficient to determine the role of this variant in disease. Therefore, it has been classified as a Variant of Uncertain Significance. Algorithms developed to predict the effect of missense changes on protein structure and function (SIFT, PolyPhen-2, Align-GVGD) all suggest that this variant is likely to be tolerated. ClinVar contains an entry for this variant (Variation ID: 455882). This variant has not been reported in the literature in individuals affected with DMD-related conditions. This variant is not present in population databases (gnomAD no frequency). This sequence change replaces glutamic acid, which is acidic and polar, with glycine, which is neutral and non-polar, at codon 862 of the DMD protein (p.Glu862Gly).